The following is an entry in ClinVar:

NM_004369.4(COL6A3):c.733T>A (p.Phe245Ile)

Gene: COL6A3 (collagen type VI alpha 3 chain; minus strand). Cytogenetic location: 2q37.3.
Variant type: single nucleotide variant.
Coding change: c.733T>A on transcript NM_004369.4 (MANE Select); coding-DNA position 733, T replaced by A.
Protein change: p.Phe245Ile; replaces phenylalanine 245 with isoleucine.
Molecular consequence: missense variant. On other transcripts: intron variant (2).
Genome position (GRCh38, 1-based): chr2:237,388,161, A>T on the plus strand (T>A on the coding strand, the complement: COL6A3 is on the minus strand). VCF-style: chr2-237388161-A-T. GRCh37 (hg19) VCF-style: chr2-238296804-A-T.
Other names: c.115T>A, p.Phe39Ile (NM_057165.5, NM_057167.4); c.92-6662T>A (NM_057166.5, NM_057164.5); short protein forms F245I, F39I.
Identifiers: ClinVar variation 1513686 (VCV001513686.8), dbSNP rs2106379268, ClinGen allele CA351224250.

ClinVar aggregate classification (germline): Uncertain significance (1 of 4 stars; one submission).

Conditions:
Bethlem myopathy 1A. Also called: MYOPATHY, BENIGN CONGENITAL, WITH CONTRACTURES; Bethlem myopathy 1; Bethlem Muscular Dystrophy. Identifiers: Orphanet 610, MedGen CN029274, MONDO:0024530, OMIM 158810.

Submission:

Labcorp Genetics (formerly Invitae), Labcorp
Classification: Uncertain significance for Bethlem myopathy 1A. Last evaluated: 2021-06-16. Review status: criteria provided, single submitter. Criteria: Invitae Variant Classification Sherloc (09022015). Collection method: clinical testing. Allele origin: germline.
Comment: In summary, the available evidence is currently insufficient to determine the role of this variant in disease. Therefore, it has been classified as a Variant of Uncertain Significance. Advanced modeling of protein sequence and biophysical properties (such as structural, functional, and spatial information, amino acid conservation, physicochemical variation, residue mobility, and thermodynamic stability) performed at Invitae indicates that this missense variant is expected to disrupt COL6A3 protein function. This variant has not been reported in the literature in individuals with COL6A3-related conditions. This variant is not present in population databases (ExAC no frequency). This sequence change replaces phenylalanine with isoleucine at codon 245 of the COL6A3 protein (p.Phe245Ile). The phenylalanine residue is moderately conserved and there is a small physicochemical difference between phenylalanine and isoleucine.